The following is an entry in ClinVar:

ClinVar aggregate classification (germline): Uncertain significance (1 of 4 stars; one submission).

Conditions:
Schuurs-Hoeijmakers syndrome. Also called: PACS1-Related Neurodevelopmental Disorder. Identifiers: Orphanet 329224, MedGen C3554343, MONDO:0014006, OMIM 615009.

Submission:

Labcorp Genetics (formerly Invitae), Labcorp
Classification: Uncertain significance for Schuurs-Hoeijmakers syndrome. Last evaluated: 2025-06-29. Review status: criteria provided, single submitter. Criteria: Invitae Variant Classification Sherloc (09022015). Collection method: clinical testing. Allele origin: germline.
Comment: This sequence change replaces leucine, which is neutral and non-polar, with arginine, which is basic and polar, at codon 730 of the PACS1 protein (p.Leu730Arg). This variant is not present in population databases (gnomAD no frequency). This variant has not been reported in the literature in individuals affected with PACS1-related conditions. ClinVar contains an entry for this variant (Variation ID: 2766370). Invitae Evidence Modeling of protein sequence and biophysical properties (such as structural, functional, and spatial information, amino acid conservation, physicochemical variation, residue mobility, and thermodynamic stability) indicates that this missense variant is expected to disrupt PACS1 protein function with a positive predictive value of 80%. In summary, the available evidence is currently insufficient to determine the role of this variant in disease. Therefore, it has been classified as a Variant of Uncertain Significance.

NM_018026.4(PACS1):c.2189T>G (p.Leu730Arg)

Gene: PACS1 (phosphofurin acidic cluster sorting protein 1; plus strand). Cytogenetic location: 11q13.2.
Variant type: single nucleotide variant.
Coding change: c.2189T>G on transcript NM_018026.4 (MANE Select); coding-DNA position 2189, T replaced by G.
Protein change: p.Leu730Arg; replaces leucine 730 with arginine.
Molecular consequence: missense variant.
Genome position (GRCh38, 1-based): chr11:66,235,385, T>G. VCF-style: chr11-66235385-T-G. GRCh37 (hg19) VCF-style: chr11-66002856-T-G.
Other names: short protein forms L730R.
Identifiers: ClinVar variation 2766370 (VCV002766370.3), dbSNP rs2495592008, ClinGen allele CA381376912.